The following is an entry in ClinVar:

ClinVar aggregate classification (germline): Uncertain significance (1 of 4 stars; one submission).

Conditions:
Progressive sclerosing poliodystrophy (MTDPS4A). Also called: Mitochondrial DNA depletion syndrome 4A (Alpers type); ALPERS PROGRESSIVE INFANTILE POLIODYSTROPHY; NEURONAL DEGENERATION OF CHILDHOOD WITH LIVER DISEASE, PROGRESSIVE; Alpers Syndrome; Mitochondrial DNA Depletion Syndrome 4A; Alpers-Huttenlocher Syndrome (AHS). Identifiers: Orphanet 726, MedGen C0205710, MONDO:0008758, OMIM 203700.

Allele frequency attached by ClinVar (database versions not stated): gnomAD exomes below 0.00001.
gnomAD v4.1: 2 of 1,612,120 alleles (0.00012%); highest among the groups gnomAD compares: South Asian, 0.0011%; no homozygotes.

Submission:

Labcorp Genetics (formerly Invitae), Labcorp
Classification: Uncertain significance for Progressive sclerosing poliodystrophy. Last evaluated: 2019-12-06. Review status: criteria provided, single submitter. Criteria: Invitae Variant Classification Sherloc (09022015). Collection method: clinical testing. Allele origin: germline.
Comment: This sequence change replaces methionine with isoleucine at codon 289 of the POLG protein (p.Met289Ile). The methionine residue is moderately conserved and there is a small physicochemical difference between methionine and isoleucine. This variant is not present in population databases (ExAC no frequency). This variant has not been reported in the literature in individuals with POLG-related conditions. Algorithms developed to predict the effect of missense changes on protein structure and function (SIFT, PolyPhen-2, Align-GVGD) all suggest that this variant is likely to be tolerated, but these predictions have not been confirmed by published functional studies and their clinical significance is uncertain. In summary, the available evidence is currently insufficient to determine the role of this variant in disease. Therefore, it has been classified as a Variant of Uncertain Significance.

NM_002693.3(POLG):c.867G>A (p.Met289Ile)

Gene: POLG (DNA polymerase gamma, catalytic subunit; minus strand). Cytogenetic location: 15q26.1.
Variant type: single nucleotide variant.
Coding change: c.867G>A on transcript NM_002693.3 (MANE Select); coding-DNA position 867, G replaced by A.
Protein change: p.Met289Ile; replaces methionine 289 with isoleucine.
Molecular consequence: missense variant.
Genome position (GRCh38, 1-based): chr15:89,329,099, C>T on the plus strand (G>A on the coding strand, the complement: POLG is on the minus strand). VCF-style: chr15-89329099-C-T. GRCh37 (hg19) VCF-style: chr15-89872330-C-T.
Other names: c.867G>A, p.Met289Ile (NM_001126131.2); short protein forms M289I.
Identifiers: ClinVar variation 858336 (VCV000858336.10), dbSNP rs2055562116, ClinGen allele CA393766165.